The following is an entry in ClinVar:

NM_001145809.2(MYH14):c.285G>C (p.Gln95His)

Gene: MYH14 (myosin heavy chain 14; plus strand). Cytogenetic location: 19q13.33.
Variant type: single nucleotide variant.
Coding change: c.285G>C on transcript NM_001145809.2 (MANE Select); coding-DNA position 285, G replaced by C.
Protein change: p.Gln95His; replaces glutamine 95 with histidine.
Molecular consequence: missense variant.
Genome position (GRCh38, 1-based): chr19:50,210,650, G>C. VCF-style: chr19-50210650-G-C. GRCh37 (hg19) VCF-style: chr19-50713907-G-C.
Other names: c.285G>C, p.Gln95His (NM_001077186.2, NM_024729.4); short protein forms Q95H.
Identifiers: ClinVar variation 2808727 (VCV002808727.3), dbSNP rs1241915097, ClinGen allele CA406946471.

ClinVar aggregate classification (germline): Uncertain significance (1 of 4 stars; one submission).

Submission:

Labcorp Genetics (formerly Invitae), Labcorp
Classification: Uncertain significance. Last evaluated: 2022-10-25. Review status: criteria provided, single submitter. Criteria: Invitae Variant Classification Sherloc (09022015). Collection method: clinical testing. Allele origin: germline.
Comment: This sequence change replaces glutamine, which is neutral and polar, with histidine, which is basic and polar, at codon 95 of the MYH14 protein (p.Gln95His). This variant is not present in population databases (gnomAD no frequency). This variant has not been reported in the literature in individuals affected with MYH14-related conditions. Advanced modeling of protein sequence and biophysical properties (such as structural, functional, and spatial information, amino acid conservation, physicochemical variation, residue mobility, and thermodynamic stability) performed at Invitae indicates that this missense variant is expected to disrupt MYH14 protein function. In summary, the available evidence is currently insufficient to determine the role of this variant in disease. Therefore, it has been classified as a Variant of Uncertain Significance.